The following is an entry in ClinVar:

NM_001101362.3(KBTBD13):c.191T>G (p.Val64Gly)

Gene: KBTBD13 (kelch repeat and BTB domain containing 13; plus strand). Cytogenetic location: 15q22.31.
Variant type: single nucleotide variant.
Coding change: c.191T>G on transcript NM_001101362.3 (MANE Select); coding-DNA position 191, T replaced by G.
Protein change: p.Val64Gly; replaces valine 64 with glycine.
Molecular consequence: missense variant.
Genome position (GRCh38, 1-based): chr15:65,077,006, T>G. VCF-style: chr15-65077006-T-G. GRCh37 (hg19) VCF-style: chr15-65369344-T-G.
Other names: short protein forms V64G.
Identifiers: ClinVar variation 1923181 (VCV001923181.5), dbSNP rs2086979558, ClinGen allele CA392858544.

ClinVar aggregate classification (germline): Uncertain significance (1 of 4 stars; one submission).

Conditions:
Nemaline myopathy 6 (NEM6). Also called: Nemaline myopathy 6, autosomal dominant. Identifiers: Orphanet 171439, MedGen C1836472, MONDO:0012237, OMIM 609273.

Allele frequency attached by ClinVar (database versions not stated): gnomAD exomes below 0.00001; TOPMed below 0.00001.

Submission:

Labcorp Genetics (formerly Invitae), Labcorp
Classification: Uncertain significance for Nemaline myopathy 6. Last evaluated: 2021-12-23. Review status: criteria provided, single submitter. Criteria: Invitae Variant Classification Sherloc (09022015). Collection method: clinical testing. Allele origin: germline.
Comment: In summary, the available evidence is currently insufficient to determine the role of this variant in disease. Therefore, it has been classified as a Variant of Uncertain Significance. Algorithms developed to predict the effect of missense changes on protein structure and function are either unavailable or do not agree on the potential impact of this missense change (SIFT: "Deleterious"; PolyPhen-2: "Probably Damaging"; Align-GVGD: "Class C0"). This variant has not been reported in the literature in individuals affected with KBTBD13-related conditions. This variant is not present in population databases (gnomAD no frequency). This sequence change replaces valine, which is neutral and non-polar, with glycine, which is neutral and non-polar, at codon 64 of the KBTBD13 protein (p.Val64Gly).